The following is an entry in ClinVar:

NM_004136.4(IREB2):c.215A>G (p.Lys72Arg)

Gene: IREB2 (iron responsive element binding protein 2; plus strand). Cytogenetic location: 15q25.1.
Variant type: single nucleotide variant.
Coding change: c.215A>G on transcript NM_004136.4 (MANE Select); coding-DNA position 215, A replaced by G.
Protein change: p.Lys72Arg; replaces lysine 72 with arginine.
Molecular consequence: missense variant. On other transcripts: 5 prime UTR variant (1).
Genome position (GRCh38, 1-based): chr15:78,463,030, A>G. VCF-style: chr15-78463030-A-G. GRCh37 (hg19) VCF-style: chr15-78755372-A-G.
Other names: c.-466A>G (NM_001320941.2); c.44A>G, p.Lys15Arg (NM_001320942.2, NM_001354994.2); c.215A>G, p.Lys72Arg (NM_001320943.2); short protein forms K15R, K72R.
Identifiers: ClinVar variation 2013430 (VCV002013430.4), dbSNP rs2542571924, ClinGen allele CA393565528.
Genomic context (GRCh38, chr15:78,463,030, plus strand): 5'-ATTGTGATGGCTTTTTAATGAAGAAGGAAGATGTTATGAACATTTTAGACTGGAAAACCA[A>G]ACAAAGCAATGTTGAAGTGCCCTTTTTCCCTGCCCGTGTTCTTCTTCAAGATTTTACGTG-3'
Protein context (NP_004127.2, residues 62-82): DVMNILDWKT[Lys72Arg]QSNVEVPFFP

ClinVar aggregate classification (germline): Uncertain significance (1 of 4 stars; one submission).

Allele frequency attached by ClinVar (database versions not stated): gnomAD exomes below 0.00001.
gnomAD v4.1: 1 of 1,612,612 alleles (0.000062%); highest among the groups gnomAD compares: Non-Finnish European, 0.000085%; no homozygotes.

Submission:

Labcorp Genetics (formerly Invitae), Labcorp
Classification: Uncertain significance. Last evaluated: 2024-02-23. Review status: criteria provided, single submitter. Criteria: Invitae Variant Classification Sherloc (09022015). Collection method: clinical testing. Allele origin: germline.
Comment: This sequence change replaces lysine, which is basic and polar, with arginine, which is basic and polar, at codon 72 of the IREB2 protein (p.Lys72Arg). This variant is not present in population databases (gnomAD no frequency). This variant has not been reported in the literature in individuals affected with IREB2-related conditions. ClinVar contains an entry for this variant (Variation ID: 2013430). An algorithm developed to predict the effect of missense changes on protein structure and function (PolyPhen-2) suggests that this variant is likely to be tolerated. In summary, the available evidence is currently insufficient to determine the role of this variant in disease. Therefore, it has been classified as a Variant of Uncertain Significance.